The following is an entry in ClinVar:

ClinVar aggregate classification (germline): Uncertain significance (1 of 4 stars; one submission).

Submission:

Labcorp Genetics (formerly Invitae), Labcorp
Classification: Uncertain significance. Last evaluated: 2024-05-16. Review status: criteria provided, single submitter. Criteria: Invitae Variant Classification Sherloc (09022015). Collection method: clinical testing. Allele origin: germline.
Comment: This sequence change replaces leucine, which is neutral and non-polar, with phenylalanine, which is neutral and non-polar, at codon 510 of the RASA2 protein (p.Leu510Phe). This variant is not present in population databases (gnomAD no frequency). This variant has not been reported in the literature in individuals affected with RASA2-related conditions. Advanced modeling of protein sequence and biophysical properties (such as structural, functional, and spatial information, amino acid conservation, physicochemical variation, residue mobility, and thermodynamic stability) performed at Invitae indicates that this missense variant is expected to disrupt RASA2 protein function with a positive predictive value of 80%. In summary, the available evidence is currently insufficient to determine the role of this variant in disease. Therefore, it has been classified as a Variant of Uncertain Significance.

NM_006506.5(RASA2):c.1528C>T (p.Leu510Phe)

Gene: RASA2 (RAS p21 protein activator 2; plus strand). Cytogenetic location: 3q23.
Variant type: single nucleotide variant.
Coding change: c.1528C>T on transcript NM_006506.5 (MANE Select); coding-DNA position 1528, C replaced by T.
Protein change: p.Leu510Phe; replaces leucine 510 with phenylalanine.
Molecular consequence: missense variant.
Genome position (GRCh38, 1-based): chr3:141,577,044, C>T. VCF-style: chr3-141577044-C-T. GRCh37 (hg19) VCF-style: chr3-141295886-C-T.
Other names: c.1528C>T, p.Leu510Phe (NM_001303245.3, NM_001303246.3); short protein forms L510F.
Identifiers: ClinVar variation 3701986 (VCV003701986.2).